The following is an entry in ClinVar:

NM_024408.4(NOTCH2):c.6514T>A (p.Ser2172Thr)

Gene: NOTCH2 (notch receptor 2; minus strand). Cytogenetic location: 1p12.
Variant type: single nucleotide variant.
Coding change: c.6514T>A on transcript NM_024408.4 (MANE Select); coding-DNA position 6514, T replaced by A.
Protein change: p.Ser2172Thr; replaces serine 2172 with threonine.
Molecular consequence: missense variant.
Genome position (GRCh38, 1-based): chr1:119,916,208, A>T on the plus strand (T>A on the coding strand, the complement: NOTCH2 is on the minus strand). VCF-style: chr1-119916208-A-T. GRCh37 (hg19) VCF-style: chr1-120458831-A-T.
Other names: short protein forms S2172T.
Identifiers: ClinVar variation 3344903 (VCV003344903.3).
Genomic context (GRCh38, chr1:119,916,208, plus strand): 5'-GGGCAGGAGGGGCGGCAGTGGCCAACATAGGGTTGGGTGAGGCCTGTAAGATCCCAGGGG[A>T]TGTAATCATTGGAGAGGATGTGGTGTCGGAAACATACGTGTGAGGAGATTCTAGGGAATC-3'
Protein context (NP_077719.2, residues 2162-2182): SDTTSSPMIT[Ser2172Thr]PGILQASPNP

ClinVar aggregate classification (germline): Uncertain significance. Review status: criteria provided, multiple submitters, no conflicts (2 of 4 stars). 2 submissions from 2 submitters: Uncertain significance (2). Last evaluated 2026-02-04.

Conditions:
Hajdu-Cheney syndrome (HJCYS). Also called: Acroosteolysis dominant type; SERPENTINE FIBULA-POLYCYSTIC KIDNEY SYNDROME; ACROOSTEOLYSIS WITH OSTEOPOROSIS AND CHANGES IN SKULL AND MANDIBLE. Identifiers: Orphanet 955, MedGen C0917715, MONDO:0007057, OMIM 102500.
NOTCH2-related disorder. Also called: NOTCH2-related condition.

gnomAD v4.1: 5 of 1,614,040 alleles (0.00031%); highest among the groups gnomAD compares: Middle Eastern, 0.016%; no homozygotes.

Submissions (2):

PreventionGenetics, part of Exact Sciences
Classification: Uncertain significance for NOTCH2-related condition. Last evaluated: 2026-02-04. Review status: criteria provided, single submitter. Criteria: ACMG Guidelines, 2015. Collection method: clinical testing. Allele origin: germline.
Comment: The NOTCH2 c.6514T>A variant is predicted to result in the amino acid substitution p.Ser2172Thr. To our knowledge, this variant has not been reported in the literature. This variant is reported in 0.0065% of alleles in individuals of European (Non-Finnish) descent in gnomAD. At this time, the clinical significance of this variant is uncertain due to the absence of conclusive functional and genetic evidence.

Labcorp Genetics (formerly Invitae), Labcorp
Classification: Uncertain significance for Hajdu-Cheney syndrome. Last evaluated: 2025-09-21. Review status: criteria provided, single submitter. Criteria: Invitae Variant Classification Sherloc (09022015). Collection method: clinical testing. Allele origin: germline.
Comment: This sequence change replaces serine, which is neutral and polar, with threonine, which is neutral and polar, at codon 2172 of the NOTCH2 protein (p.Ser2172Thr). This variant is present in population databases (no rsID available, gnomAD 0.007%). This variant has not been reported in the literature in individuals affected with NOTCH2-related conditions. ClinVar contains an entry for this variant (Variation ID: 3344903). Invitae Evidence Modeling of protein sequence and biophysical properties (such as structural, functional, and spatial information, amino acid conservation, physicochemical variation, residue mobility, and thermodynamic stability) indicates that this missense variant is not expected to disrupt NOTCH2 protein function with a negative predictive value of 80%. In summary, the available evidence is currently insufficient to determine the role of this variant in disease. Therefore, it has been classified as a Variant of Uncertain Significance.